The following is an entry in ClinVar:

NM_005591.4(MRE11):c.269A>G (p.Gln90Arg)

Gene: MRE11 (MRE11 double strand break repair nuclease; minus strand). Cytogenetic location: 11q21.
Variant type: single nucleotide variant.
Coding change: c.269A>G on transcript NM_005591.4 (MANE Select); coding-DNA position 269, A replaced by G.
Protein change: p.Gln90Arg; replaces glutamine 90 with arginine.
Molecular consequence: missense variant.
Genome position (GRCh38, 1-based): chr11:94,485,969, T>C on the plus strand (A>G on the coding strand, the complement: MRE11 is on the minus strand). VCF-style: chr11-94485969-T-C. GRCh37 (hg19) VCF-style: chr11-94219135-T-C.
Other names: c.269A>G, p.Gln90Arg (NM_001330347.2, NM_005590.4); short protein forms Q90R.
Identifiers: ClinVar variation 821685 (VCV000821685.4), dbSNP rs1591718962, ClinGen allele CA382379508.

ClinVar aggregate classification (germline): Uncertain significance (1 of 4 stars; one submission).

Conditions:
Hereditary cancer-predisposing syndrome. Also called: Tumor predisposition; Hereditary Cancer Syndrome; Neoplastic Syndromes, Hereditary; Hereditary neoplastic syndrome. Identifiers: Orphanet 140162, MedGen C0027672, MeSH D009386, MONDO:0015356.

Submission:

Ambry Genetics
Classification: Uncertain significance for Hereditary cancer-predisposing syndrome. Last evaluated: 2018-09-07. Review status: criteria provided, single submitter. Criteria: Ambry Variant Classification Scheme 2023. Collection method: clinical testing. Allele origin: germline.
Comment: The p.Q90R variant (also known as c.269A>G), located in coding exon 3 of the MRE11A gene, results from an A to G substitution at nucleotide position 269. The glutamine at codon 90 is replaced by arginine, an amino acid with highly similar properties. This amino acid position is not well conserved in available vertebrate species. In addition, this alteration is predicted to be tolerated by in silico analysis. Since supporting evidence is limited at this time, the clinical significance of this alteration remains unclear.